The following is an entry in ClinVar:

ClinVar aggregate classification (germline): Uncertain significance. Review status: criteria provided, multiple submitters, no conflicts (2 of 4 stars). 2 submissions from 2 submitters: Uncertain significance (2). Last evaluated 2026-01-26.

Conditions:
Baller-Gerold syndrome (BGS). Also called: CRANIOSYNOSTOSIS WITH RADIAL DEFECTS. Identifiers: Orphanet 1225, MedGen C0265308, MONDO:0009039, OMIM 218600.

Allele frequency attached by ClinVar (database versions not stated): gnomAD exomes 0.00003 and 0.00001; ExAC 0.00003; gnomAD 0.00001.
gnomAD v4.1: 24 of 1,609,920 alleles (0.0015%); highest among the groups gnomAD compares: South Asian, 0.02%; no homozygotes.

Submissions (2):

Labcorp Genetics (formerly Invitae), Labcorp
Classification: Uncertain significance for Baller-Gerold syndrome. Last evaluated: 2026-01-26. Review status: criteria provided, single submitter. Criteria: Invitae Variant Classification Sherloc (09022015). Collection method: clinical testing. Allele origin: germline.
Comment: This sequence change replaces proline, which is neutral and non-polar, with leucine, which is neutral and non-polar, at codon 268 of the RECQL4 protein (p.Pro268Leu). This variant is present in population databases (rs760340046, gnomAD 0.02%). This variant has not been reported in the literature in individuals affected with RECQL4-related conditions. ClinVar contains an entry for this variant (Variation ID: 459518). Invitae Evidence Modeling of protein sequence and biophysical properties (such as structural, functional, and spatial information, amino acid conservation, physicochemical variation, residue mobility, and thermodynamic stability) indicates that this missense variant is not expected to disrupt RECQL4 protein function with a negative predictive value of 80%. In summary, the available evidence is currently insufficient to determine the role of this variant in disease. Therefore, it has been classified as a Variant of Uncertain Significance.

Dasa
Classification: Uncertain significance. Last evaluated: 2025-04-14. Review status: criteria provided, single submitter. Criteria: DASA Assertion Criteria. Collection method: clinical testing. Allele origin: germline.
Comment: NM_004260.4(RECQL4):c.803C>T (p.Pro268Leu) is a missense variant that results in the substitution of proline with leucine. This variant is rare in population databases. Computational prediction algorithms are consistent with a benign effect. The currently available literature and clinical evidence are not sufficient to establish a definitive association between this variant and the reported condition. Therefore, this variant is classified as a variant of uncertain significance.

NM_004260.4(RECQL4):c.803C>T (p.Pro268Leu)

Gene: RECQL4 (RecQ like helicase 4; minus strand). Cytogenetic location: 8q24.3.
Variant type: single nucleotide variant.
Coding change: c.803C>T on transcript NM_004260.4 (MANE Select); coding-DNA position 803, C replaced by T.
Protein change: p.Pro268Leu; replaces proline 268 with leucine.
Molecular consequence: missense variant.
Genome position (GRCh38, 1-based): chr8:144,516,316, G>A on the plus strand (C>T on the coding strand, the complement: RECQL4 is on the minus strand). VCF-style: chr8-144516316-G-A. GRCh37 (hg19) VCF-style: chr8-145741700-G-A.
Other names: short protein forms P268L.
Identifiers: ClinVar variation 459518 (VCV000459518.9), dbSNP rs760340046, ClinGen allele CA4949173.
Genomic context (GRCh38, chr8:144,516,316, plus strand): 5'-CCCTCCGATGGGGGTCCAGCTTGGCTGCTCTCCTGCTGGACCTGTGCGGGGCTCTCCCAG[G>A]GCTCCTCGTTCCATCTCCGCTTCTCGCCTCCACTGCTGCTGGGCTGGGGGCTCCCCACAC-3'
Protein context (NP_004251.4, residues 258-278): GGEKRRWNEE[Pro268Leu]WESPAQVQQE